The following is an entry in ClinVar:

ClinVar aggregate classification (germline): Conflicting classifications of pathogenicity. Review status: criteria provided, conflicting classifications (1 of 4 stars). 6 submissions from 5 submitters: Uncertain significance (1); Benign (1); Likely benign (2). 2 of the submissions do not count toward it. Last evaluated 2026-01-25.

Conditions:
NR2E3-related disorder. Also called: NR2E3-related condition; NR2E3-related disorders. Identifiers: MedGen CN239387.
Retinitis pigmentosa (RP). Identifiers: Orphanet 791, MedGen C0035334, MeSH D012174, MONDO:0019200, OMIM 268000. Inheritance: Autosomal dominant, autosomal recessive and X linked inheritance.
Retinitis pigmentosa 37 (RP37). Identifiers: Orphanet 791, MedGen C1970163, MONDO:0012625, OMIM 611131.
Enhanced S-cone syndrome (ESCS). Identifiers: Orphanet 53540, MedGen C1849394, MONDO:0100288, MONDO:0009989.

Allele frequency attached by ClinVar (database versions not stated): ExAC 0.00113; ESP Exome Variant Server 0.00175; 1000 Genomes Project 30x 0.00250; 1000 Genomes Project 0.00260; TOPMed 0.00274.
gnomAD v4.1: 737 of 1,550,618 alleles (0.048%); highest among the groups gnomAD compares: African/African-American, 0.82%; 4 homozygotes.

Submissions (6):

Labcorp Genetics (formerly Invitae), Labcorp
Classification: Benign. Last evaluated: 2026-01-25. Review status: criteria provided, single submitter. Criteria: Invitae Variant Classification Sherloc (09022015). Collection method: clinical testing. Allele origin: germline.

Blueprint Genetics
Classification: Likely benign. Last evaluated: 2024-09-11. Review status: criteria provided, single submitter. Criteria: ACMG Guidelines, 2015. Collection method: clinical testing. Allele origin: germline.

Illumina Laboratory Services, Illumina
Classification: Likely benign for Retinitis pigmentosa. Last evaluated: 2018-01-12. Review status: criteria provided, single submitter. Criteria: ICSL Variant Classification Criteria 13 December 2019. Collection method: clinical testing. Allele origin: germline.
Comment: This variant was observed in the ICSL laboratory as part of a predisposition screen in an ostensibly healthy population. It had not been previously curated by ICSL or reported in the Human Gene Mutation Database (HGMD: prior to June 1st, 2018), and was therefore a candidate for classification through an automated scoring system. Utilizing variant allele frequency, disease prevalence and penetrance estimates, and inheritance mode, an automated score was calculated to assess if this variant is too frequent to cause the disease. Based on the score and internal cut-off values, a variant classified as likely benign is not then subjected to further curation. The score for this variant resulted in a classification of likely benign for this disease.

Illumina Laboratory Services, Illumina
Classification: Uncertain significance for Retinitis pigmentosa 37. Last evaluated: 2017-04-27. Review status: criteria provided, single submitter. Criteria: ICSL Variant Classification Criteria 13 December 2019. Collection method: clinical testing. Allele origin: germline.

PreventionGenetics, part of Exact Sciences
Classification: Benign for NR2E3-related condition. Last evaluated: 2023-11-21. Review status: no assertion criteria provided. Collection method: clinical testing. Allele origin: germline. Not counted in ClinVar's aggregate classification.
Comment: This variant is classified as benign based on ACMG/AMP sequence variant interpretation guidelines (Richards et al. 2015 PMID: 25741868, with internal and published modifications).

Natera, Inc.
Classification: Likely benign for Enhanced S cone syndrome. Last evaluated: 2019-10-23. Review status: no assertion criteria provided. Collection method: clinical testing. Allele origin: germline. Not counted in ClinVar's aggregate classification.

NM_014249.4(NR2E3):c.349+7C>T

Gene: NR2E3 (nuclear receptor subfamily 2 group E member 3; plus strand). Cytogenetic location: 15q23.
Variant type: single nucleotide variant.
Coding change: c.349+7C>T on transcript NM_014249.4 (MANE Select); 7 bases into the intron after coding-DNA position 349, C replaced by T.
Molecular consequence: intron variant.
Genome position (GRCh38, 1-based): chr15:71,811,876, C>T. VCF-style: chr15-71811876-C-T. GRCh37 (hg19) VCF-style: chr15-72104216-C-T.
Other names: c.349+7C>T (NM_016346.4).
Identifiers: ClinVar variation 787123 (VCV000787123.18), dbSNP rs900547, ClinGen allele CA7640288.